The following is an entry in ClinVar:

ClinVar aggregate classification (germline): Likely pathogenic. Review status: criteria provided, multiple submitters, no conflicts (2 of 4 stars). 2 submissions from 2 submitters: Likely pathogenic (2). Last evaluated 2026-06-05.

Conditions:
Inborn genetic diseases. Identifiers: MedGen C0950123, MeSH D030342.

Submissions (2):

Ambry Genetics
Classification: Likely pathogenic for Inborn genetic diseases. Last evaluated: 2026-06-05. Review status: criteria provided, single submitter. Criteria: Ambry Variant Classification Scheme 2023. Collection method: clinical testing. Allele origin: germline.
Comment: The c.682G>A (p.E228K) alteration is located in exon 8 (coding exon 5) of the PAX6 gene. This alteration results from a G to A substitution at nucleotide position 682, causing the glutamic acid (E) at amino acid position 228 to be replaced by a lysine (K). However, this change occurs in the last base pair of exon 8 (coding exon 5), which makes it likely to have some effect on normal mRNA splicing. This variant was not reported in population-based cohorts in the Genome Aggregation Database (gnomAD). This variant was reported in individual(s) with features consistent with PAX6-related ophthalmological disorder; in at least one individual, it was determined to be de novo (external communication). This nucleotide and amino acid position are highly conserved in available vertebrate species. RNA studies have demonstrated that this variant results in abnormal splicing (Davydenko, 2025). This amino acid alteration is predicted to be deleterious by in silico analysis. In silico splice site analysis predicts that this nucleotide alteration will weaken the native splice donor site and will result in the creation or strengthening of a novel splice donor site. Based on the available evidence, this alteration is classified as likely pathogenic.

CeGaT Center for Human Genetics Tuebingen
Classification: Likely pathogenic. Last evaluated: 2022-11-01. Review status: criteria provided, single submitter. Criteria: CeGaT Center For Human Genetics Tuebingen Variant Classification Criteria Version 2. Collection method: clinical testing. Allele origin: germline. Affected: yes. Observed: 3 variant alleles.
Comment: PAX6: PM1, PM2, PM6:Supporting, PP3, PS4:Supporting

Literature cited by the submitters: PubMed 40133207 (cited by Ambry Genetics).

NM_001368894.2(PAX6):c.724G>A (p.Glu242Lys)

Gene: PAX6 (paired box 6; minus strand). Cytogenetic location: 11p13.
Variant type: single nucleotide variant.
Coding change: c.724G>A on transcript NM_001368894.2 (MANE Select); coding-DNA position 724, G replaced by A.
Protein change: p.Glu242Lys; replaces glutamic acid 242 with lysine.
Molecular consequence: missense variant. On other transcripts: non-coding transcript variant (2).
Genome position (GRCh38, 1-based): chr11:31,794,630, C>T on the plus strand (G>A on the coding strand, the complement: PAX6 is on the minus strand). VCF-style: chr11-31794630-C-T. GRCh37 (hg19) VCF-style: chr11-31816178-C-T.
Other names: c.274G>A, p.Glu92Lys (NM_001310161.3, NM_001368899.2, NM_001310160.2 and 11 more transcripts); c.682G>A, p.Glu228Lys (NM_001368887.2, NM_001368888.2, NM_001368889.2 and 10 more transcripts); c.724G>A, p.Glu242Lys (NM_001368892.2, NM_001368893.2, NM_001310158.2 and 6 more transcripts); c.682G>A (NM_000280.3); c.925G>A, p.Glu309Lys (NM_001368910.2); c.727G>A, p.Glu243Lys (NM_001368911.2); c.799G>A, p.Glu267Lys (NM_001368918.2, NM_001368919.2); c.757G>A, p.Glu253Lys (NM_001368920.2); and 3 more; short protein forms E175K, E242K, E309K, E92K, E243K, E267K, E27K, E161K.
Identifiers: ClinVar variation 806642 (VCV000806642.43), dbSNP rs1592432969, ClinGen allele CA379956800.